The following is an entry in ClinVar:

ClinVar aggregate classification (germline): Conflicting classifications of pathogenicity. Review status: criteria provided, conflicting classifications (1 of 4 stars). 6 submissions from 6 submitters: Likely pathogenic (2); Uncertain significance (2). 2 of the submissions do not count toward it. Last evaluated 2025-09-15.

Conditions:
Liberfarb syndrome (LIBF). Also called: SPONDYLOEPIMETAPHYSEAL DYSPLASIA, LIBERFARB TYPE; Short stature-skeletal dysplasia-retinal degeneration-intellectual disability-sensorineural hearing loss syndrome. Identifiers: Orphanet 589442, MedGen C5394404, MONDO:0030045, OMIM 618889.
PISD-related mitochondrial disease.

Allele frequency attached by ClinVar (database versions not stated): 1000 Genomes Project 30x 0.00016; gnomAD 0.00017; ExAC 0.00018; gnomAD exomes 0.00018 and 0.00020; TOPMed 0.00019; 1000 Genomes Project 0.00020; ESP Exome Variant Server 0.00023.
gnomAD v4.1: 301 of 1,612,768 alleles (0.019%); highest among the groups gnomAD compares: Non-Finnish European, 0.023%; no homozygotes.

Submissions (6):

First Genomix Gene Laboratory, Genetic Diagnostics Department
Classification: Likely pathogenic for Liberfarb syndrome. Last evaluated: 2025-09-15. Review status: criteria provided, single submitter. Criteria: ACMG Guidelines, 2015. Collection method: clinical testing. Allele origin: germline. Inheritance: Autosomal recessive inheritance. Affected: no. Observed: 1 variant allele.

Blueprint Genetics
Classification: Uncertain significance. Last evaluated: 2024-08-19. Review status: criteria provided, single submitter. Criteria: ACMG Guidelines, 2015. Collection method: clinical testing. Allele origin: germline.

Labcorp Genetics (formerly Invitae), Labcorp
Classification: Uncertain significance. Last evaluated: 2022-09-27. Review status: criteria provided, single submitter. Criteria: Invitae Variant Classification Sherloc (09022015). Collection method: clinical testing. Allele origin: germline.
Comment: This sequence change replaces arginine, which is basic and polar, with glutamine, which is neutral and polar, at codon 277 of the PISD protein (p.Arg277Gln). This variant is present in population databases (rs147371584, gnomAD 0.04%). This missense change has been observed in individual(s) with PISD-related conditions (PMID: 30858161). It has also been observed to segregate with disease in related individuals. ClinVar contains an entry for this variant (Variation ID: 599401). Advanced modeling of protein sequence and biophysical properties (such as structural, functional, and spatial information, amino acid conservation, physicochemical variation, residue mobility, and thermodynamic stability) has been performed at Invitae for this missense variant, however the output from this modeling did not meet the statistical confidence thresholds required to predict the impact of this variant on PISD protein function. Experimental studies have shown that this missense change affects PISD function (PMID: 30858161). In summary, the available evidence is currently insufficient to determine the role of this variant in disease. Therefore, it has been classified as a Variant of Uncertain Significance.

Department of Pathology and Laboratory Medicine, Sinai Health System
Classification: Likely pathogenic for Liberfarb syndrome. Last evaluated: 2022-03-02. Review status: criteria provided, single submitter. Criteria: ACMG Guidelines, 2015. Collection method: research. Allele origin: germline.

OMIM
Classification: Pathogenic for LIBERFARB SYNDROME. Last evaluated: 2020-05-20. Review status: no assertion criteria provided. Collection method: literature only. Allele origin: germline. Not counted in ClinVar's aggregate classification.

Clinical Genetics Research Group, University of Calgary
Classification: Likely pathogenic for PISD-related mitochondrial disease. Last evaluated: 2019-01-10. Review status: no assertion criteria provided. Collection method: research. Allele origin: inherited. Inheritance: Autosomal recessive inheritance. Affected: yes. Observed: 1 compound heterozygote. Not counted in ClinVar's aggregate classification.

Literature cited by the submitters: PubMed 30858161 (cited by Labcorp Genetics (formerly Invitae), Labcorp and OMIM).

NM_001326411.2(PISD):c.830G>A (p.Arg277Gln)

Gene: PISD (phosphatidylserine decarboxylase; minus strand). Cytogenetic location: 22q12.2.
Variant type: single nucleotide variant.
Coding change: c.830G>A on transcript NM_001326411.2 (MANE Select); coding-DNA position 830, G replaced by A.
Protein change: p.Arg277Gln; replaces arginine 277 with glutamine.
Molecular consequence: missense variant.
Genome position (GRCh38, 1-based): chr22:31,621,010, C>T on the plus strand (G>A on the coding strand, the complement: PISD is on the minus strand). VCF-style: chr22-31621010-C-T. GRCh37 (hg19) VCF-style: chr22-32016996-C-T.
Other names: c.767G>A, p.Arg256Gln (NM_001326412.1, NM_001326413.2, NM_001326414.2); c.728G>A, p.Arg243Gln (NM_001326415.2, NM_001326416.2, NM_001326417.2 and 3 more transcripts); c.650G>A, p.Arg217Gln (NM_001326418.2, NM_001326420.2); c.830G>A, p.Arg277Gln (NM_001326421.1); short protein forms R277Q, R217Q, R243Q, R256Q.
Identifiers: ClinVar variation 599401 (VCV000599401.8), dbSNP rs147371584, ClinGen allele CA10194649.